The following is an entry in ClinVar:

NM_001369268.1(ACAN):c.2541dup (p.Val848fs)

Gene: ACAN (aggrecan; plus strand). Cytogenetic location: 15q26.1.
Variant type: Duplication.
Coding change: c.2541dup on transcript NM_001369268.1 (MANE Select); coding-DNA position 2541, one base duplicated (C; older notation c.2541dupC).
Protein change: p.Val848fs; shifts the reading frame from valine 848.
Molecular consequence: frameshift variant.
Genome position (GRCh38, 1-based): chr15:88,855,126, C duplicated; the last of 6 consecutive C bases (chr15:88,855,121-88,855,126); duplicating any one gives the same sequence. VCF-style (leftmost placement, unchanged base first): chr15-88855120-A-AC. GRCh37 (hg19) VCF-style: chr15-89398351-A-AC.
Other names: c.2541dup, p.Val848fs (NM_001135.4, NM_001411096.1, NM_001411097.1 and 1 more transcripts); short protein forms V848fs.
Identifiers: ClinVar variation 4214231 (VCV004214231.1).

ClinVar aggregate classification (germline): Pathogenic (1 of 4 stars; one submission).

Conditions:
Inborn genetic diseases. Identifiers: MedGen C0950123, MeSH D030342.

Submission:

Ambry Genetics
Classification: Pathogenic for Inborn genetic diseases. Last evaluated: 2025-09-04. Review status: criteria provided, single submitter. Criteria: Ambry Variant Classification Scheme 2023. Collection method: clinical testing. Allele origin: germline.
Comment: The c.2541dupC (p.V848Rfs*6) alteration, located in exon 12 (coding exon 11) of the ACAN gene, consists of a duplication of C at position 2541, causing a translational frameshift with a predicted alternate stop codon after 6 amino acids. This alteration is expected to result in loss of function by premature protein truncation or nonsense-mediated mRNA decay. This variant was not reported in population-based cohorts in the Genome Aggregation Database (gnomAD). Based on the available evidence, this alteration is classified as pathogenic.